The following is an entry in ClinVar:

ClinVar aggregate classification (germline): Uncertain significance (1 of 4 stars; one submission).

Submission:

Labcorp Genetics (formerly Invitae), Labcorp
Classification: Uncertain significance. Last evaluated: 2022-08-23. Review status: criteria provided, single submitter. Criteria: Invitae Variant Classification Sherloc (09022015). Collection method: clinical testing. Allele origin: germline.
Comment: This variant is not present in population databases (gnomAD no frequency). This sequence change replaces glycine, which is neutral and non-polar, with arginine, which is basic and polar, at codon 319 of the GNB3 protein (p.Gly319Arg). This variant has not been reported in the literature in individuals affected with GNB3-related conditions. ClinVar contains an entry for this variant (Variation ID: 1422436). In summary, the available evidence is currently insufficient to determine the role of this variant in disease. Therefore, it has been classified as a Variant of Uncertain Significance. Algorithms developed to predict the effect of missense changes on protein structure and function are either unavailable or do not agree on the potential impact of this missense change (SIFT: "Tolerated"; PolyPhen-2: "Probably Damaging"; Align-GVGD: "Class C0").

NM_002075.4(GNB3):c.955G>C (p.Gly319Arg)

Genes: CDCA3 (cell division cycle associated 3; minus strand), GNB3 (G protein subunit beta 3; plus strand). Cytogenetic location: 12p13.31.
Variant type: single nucleotide variant.
Coding change: c.955G>C on transcript NM_002075.4 (MANE Select); coding-DNA position 955, G replaced by C.
Protein change: p.Gly319Arg; replaces glycine 319 with arginine.
Molecular consequence: missense variant. On other transcripts: synonymous variant (1).
Genome position (GRCh38, 1-based): chr12:6,846,830, G>C. VCF-style: chr12-6846830-G-C. GRCh37 (hg19) VCF-style: chr12-6955994-G-C.
Other names: c.952G>C, p.Gly318Arg (NM_001297571.2); c.618C>G, p.Ser206= (NM_001297603.3); short protein forms G318R, G319R.
Identifiers: ClinVar variation 1422436 (VCV001422436.8), dbSNP rs2137995797, ClinGen allele CA383676106.
Genomic context (GRCh38, chr12:6,846,830, plus strand): 5'-GACTCCTTTCCCTCTTCCTCAGGCATCCTCTCTGGCCACGATAACAGGGTGAGCTGCCTG[G>C]GAGTCACAGCTGACGGGATGGCTGTGGCCACAGGTTCCTGGGACAGCTTCCTCAAAATCT-3'
Protein context (NP_002066.1, residues 309-329): SGHDNRVSCL[Gly319Arg]VTADGMAVAT